The following is an entry in ClinVar:

ClinVar aggregate classification (germline): Uncertain significance (1 of 4 stars; one submission).

Submission:

Labcorp Genetics (formerly Invitae), Labcorp
Classification: Uncertain significance. Last evaluated: 2022-01-26. Review status: criteria provided, single submitter. Criteria: Invitae Variant Classification Sherloc (09022015). Collection method: clinical testing. Allele origin: germline.
Comment: In summary, the available evidence is currently insufficient to determine the role of this variant in disease. Therefore, it has been classified as a Variant of Uncertain Significance. Variants that disrupt the consensus splice site are a relatively common cause of aberrant splicing (PMID: 17576681, 9536098). Algorithms developed to predict the effect of sequence changes on RNA splicing suggest that this variant may disrupt the consensus splice site. This variant has not been reported in the literature in individuals affected with IL6R-related conditions. This variant is not present in population databases (gnomAD no frequency). This sequence change falls in intron 6 of the IL6R gene. It does not directly change the encoded amino acid sequence of the IL6R protein. It affects a nucleotide within the consensus splice site.

Literature cited by the submitters: PubMed 17576681; PubMed 9536098.

NM_000565.4(IL6R):c.949+4C>G

Gene: IL6R (interleukin 6 receptor; plus strand). Cytogenetic location: 1q21.3.
Variant type: single nucleotide variant.
Coding change: c.949+4C>G on transcript NM_000565.4 (MANE Select); 4 bases into the intron after coding-DNA position 949, C replaced by G.
Molecular consequence: intron variant.
Genome position (GRCh38, 1-based): chr1:154,436,114, C>G. VCF-style: chr1-154436114-C-G. GRCh37 (hg19) VCF-style: chr1-154408590-C-G.
Other names: c.949+4C>G (NM_001382771.1, NM_001382773.1, NM_001382770.1 and 3 more transcripts); c.943+4C>G (NM_001382772.1); c.589+4C>G (NM_001382774.1).
Identifiers: ClinVar variation 1411992 (VCV001411992.6), dbSNP rs747974938, ClinGen allele CA2573131070.
Genomic context (GRCh38, chr1:154,436,114, plus strand): 5'-TCGGGCAAGGCGAGTGGAGCGAGTGGAGCCCGGAGGCCATGGGCACGCCTTGGACAGGTA[C>G]TGCGGTGGGCACTGAGAAAGGAAGGGATGTTTCAACTGTCATTGCATCAGGTATCCATTG-3'